The following is an entry in ClinVar:

NM_000284.4(PDHA1):c.759+24G>A

Gene: PDHA1 (pyruvate dehydrogenase E1 subunit alpha 1; plus strand). Cytogenetic location: Xp22.12.
Variant type: single nucleotide variant.
Coding change: c.759+24G>A on transcript NM_000284.4 (MANE Select); 24 bases into the intron after coding-DNA position 759, G replaced by A.
Molecular consequence: intron variant.
Genome position (GRCh38, 1-based): chrX:19,355,528, G>A. VCF-style: chrX-19355528-G-A. GRCh37 (hg19) VCF-style: chrX-19373646-G-A.
Other names: c.873+24G>A (NM_001173454.2); c.780+24G>A (NM_001173455.2); c.666+24G>A (NM_001173456.2).
Identifiers: ClinVar variation 2660124 (VCV002660124.24), dbSNP rs759881225, ClinGen allele CA10363090.
Genomic context (GRCh38, chrX:19,355,528, plus strand): 5'-TTACTACAAGAGAGGCGATTTCATTCCTGGGCTGAGAGTAAGGACACCTGTGGTGGGGCC[G>A]GGGCCAAGGCCAAGGCCAAGGGTATGTCCTTGTGCAGACCCTTGACGATCTTAGAAACAT-3'

ClinVar aggregate classification (germline): Likely benign (1 of 4 stars; one submission).

Allele frequency attached by ClinVar (database versions not stated): gnomAD 0.00004; gnomAD exomes 0.00004; ExAC 0.00005; TOPMed 0.00006.
gnomAD v4.1: 48 of 1,181,935 alleles (0.0041%); highest among the groups gnomAD compares: Middle Eastern, 0.046%; no homozygotes.

Submission:

CeGaT Center for Human Genetics Tuebingen
Classification: Likely benign. Last evaluated: 2022-12-01. Review status: criteria provided, single submitter. Criteria: CeGaT Center For Human Genetics Tuebingen Variant Classification Criteria Version 2. Collection method: clinical testing. Allele origin: germline. Affected: yes. Observed: 1 variant allele.
Comment: PDHA1: BS2